The following is an entry in ClinVar:

ClinVar aggregate classification (germline): Likely benign (1 of 4 stars; one submission).

gnomAD v4.1: 854 of 1,613,586 alleles (0.053%); highest among the groups gnomAD compares: Non-Finnish European, 0.061%; no homozygotes.

Submission:

CeGaT Center for Human Genetics Tuebingen
Classification: Likely benign. Last evaluated: 2026-02-01. Review status: criteria provided, single submitter. Criteria: CeGaT Center For Human Genetics Tuebingen Variant Classification Criteria Version 2. Collection method: clinical testing. Allele origin: germline. Affected: yes. Observed: 1 variant allele.
Comment: HECTD4: BP4, BP7

NM_001388303.1(HECTD4):c.11178G>A (p.Pro3726=)

Gene: HECTD4 (HECT domain E3 ubiquitin protein ligase 4; minus strand). Cytogenetic location: 12q24.13.
Variant type: single nucleotide variant.
Coding change: c.11178G>A on transcript NM_001388303.1 (MANE Select); coding-DNA position 11178, G replaced by A.
Protein change: p.Pro3726=; no amino-acid change (proline 3726 retained).
Molecular consequence: synonymous variant.
Genome position (GRCh38, 1-based): chr12:112,179,207, C>T on the plus strand (G>A on the coding strand, the complement: HECTD4 is on the minus strand). VCF-style: chr12-112179207-C-T. GRCh37 (hg19) VCF-style: chr12-112617011-C-T.
Other names: c.11208G>A, p.Pro3736= (NM_001109662.4).
Identifiers: ClinVar variation 4821187 (VCV004821187.4).